The following is an entry in ClinVar:

NM_000052.7(ATP7A):c.2407-14G>T

Gene: ATP7A (ATPase copper transporting alpha; plus strand). Cytogenetic location: Xq21.1.
Variant type: single nucleotide variant.
Coding change: c.2407-14G>T on transcript NM_000052.7 (MANE Select); 14 bases into the intron before coding-DNA position 2407, G replaced by T.
Molecular consequence: intron variant.
Genome position (GRCh38, 1-based): chrX:78,014,648, G>T. VCF-style: chrX-78014648-G-T. GRCh37 (hg19) VCF-style: chrX-77270145-G-T.
Other names: c.2173-14G>T (NM_001282224.2).
Identifiers: ClinVar variation 517830 (VCV000517830.10), dbSNP rs782184126, ClinGen allele CA10459268.

ClinVar aggregate classification (germline): Benign/Likely benign. Review status: criteria provided, multiple submitters, no conflicts (2 of 4 stars). 3 submissions from 3 submitters: Benign (1); Likely benign (2). Last evaluated 2026-01-09.

Conditions:
Menkes kinky-hair syndrome (MNK). Also called: Menkes Disease; Copper transport disease; Classic Menkes Disease. Identifiers: Orphanet 565, MedGen C0022716, MONDO:0010651, OMIM 309400.
X-linked distal spinal muscular atrophy type 3. Also called: ATP7A-Related Distal Motor Neuropathy; NEURONOPATHY, DISTAL HEREDITARY MOTOR, X-LINKED; NEUROPATHY, DISTAL HEREDITARY MOTOR, X-LINKED; SPINAL MUSCULAR ATROPHY, DISTAL, X-LINKED RECESSIVE. Identifiers: Orphanet 139557, MedGen C1845359, MONDO:0010338, OMIM 300489.
Cutis laxa, X-linked (OHS). Also called: EDS IX; Occipital horn syndrome. Identifiers: Orphanet 198, MedGen C0268353, MONDO:0010572, OMIM 304150.

Allele frequency attached by ClinVar (database versions not stated): gnomAD exomes 0.00004 and 0.00005; TOPMed 0.00006; ExAC 0.00007; gnomAD 0.00008 and 0.00009.
gnomAD v4.1: 65 of 1,185,225 alleles (0.0055%); highest among the groups gnomAD compares: Non-Finnish European, 0.0073%; no homozygotes.

Submissions (3):

Labcorp Genetics (formerly Invitae), Labcorp
Classification: Benign for X-linked distal spinal muscular atrophy type 3; Cutis laxa, X-linked; Menkes kinky-hair syndrome. Last evaluated: 2026-01-09. Review status: criteria provided, single submitter. Criteria: Invitae Variant Classification Sherloc (09022015). Collection method: clinical testing. Allele origin: germline.

Blueprint Genetics
Classification: Likely benign. Last evaluated: 2024-11-21. Review status: criteria provided, single submitter. Criteria: ACMG Guidelines, 2015. Collection method: clinical testing. Allele origin: germline.

GeneDx
Classification: Likely benign. Last evaluated: 2017-03-20. Review status: criteria provided, single submitter. Criteria: GeneDx Variant Classification (06012015). Collection method: clinical testing. Allele origin: germline. Affected: yes.
Comment: This variant is considered likely benign or benign based on one or more of the following criteria: it is a conservative change, it occurs at a poorly conserved position in the protein, it is predicted to be benign by multiple in silico algorithms, and/or has population frequency not consistent with disease.